The following is an entry in ClinVar:

NM_001261826.3(AP3D1):c.1424G>A (p.Arg475Gln)

Gene: AP3D1 (adaptor related protein complex 3 subunit delta 1; minus strand). Cytogenetic location: 19p13.3.
Variant type: single nucleotide variant.
Coding change: c.1424G>A on transcript NM_001261826.3 (MANE Select); coding-DNA position 1424, G replaced by A.
Protein change: p.Arg475Gln; replaces arginine 475 with glutamine.
Molecular consequence: missense variant.
Genome position (GRCh38, 1-based): chr19:2,120,919, C>T on the plus strand (G>A on the coding strand, the complement: AP3D1 is on the minus strand). VCF-style: chr19-2120919-C-T. GRCh37 (hg19) VCF-style: chr19-2120918-C-T.
Other names: c.1424G>A, p.Arg475Gln (NM_001374799.1, NM_003938.8); short protein forms R475Q.
Identifiers: ClinVar variation 1950976 (VCV001950976.5), dbSNP rs977372159, ClinGen allele CA304163072.

ClinVar aggregate classification (germline): Uncertain significance (1 of 4 stars; one submission).

Allele frequency attached by ClinVar (database versions not stated): gnomAD exomes 0.00001; TOPMed 0.00001.
gnomAD v4.1: 8 of 1,611,644 alleles (0.0005%); highest among the groups gnomAD compares: Middle Eastern, 0.016%; no homozygotes.

Submission:

Labcorp Genetics (formerly Invitae), Labcorp
Classification: Uncertain significance. Last evaluated: 2024-11-04. Review status: criteria provided, single submitter. Criteria: Invitae Variant Classification Sherloc (09022015). Collection method: clinical testing. Allele origin: germline.
Comment: This sequence change replaces arginine, which is basic and polar, with glutamine, which is neutral and polar, at codon 475 of the AP3D1 protein (p.Arg475Gln). This variant is present in population databases (no rsID available, gnomAD 0.004%). This variant has not been reported in the literature in individuals affected with AP3D1-related conditions. ClinVar contains an entry for this variant (Variation ID: 1950976). An algorithm developed to predict the effect of missense changes on protein structure and function (PolyPhen-2) suggests that this variant is likely to be tolerated. In summary, the available evidence is currently insufficient to determine the role of this variant in disease. Therefore, it has been classified as a Variant of Uncertain Significance.